The following is an entry in ClinVar:

NM_003200.5(TCF3):c.1168-3C>T

Gene: TCF3 (transcription factor 3; minus strand). Cytogenetic location: 19p13.3.
Variant type: single nucleotide variant.
Coding change: c.1168-3C>T on transcript NM_003200.5 (MANE Select); 3 bases into the intron before coding-DNA position 1168, C replaced by T.
Molecular consequence: intron variant.
Genome position (GRCh38, 1-based): chr19:1,619,477, G>A on the plus strand (C>T on the coding strand, the complement: TCF3 is on the minus strand). VCF-style: chr19-1619477-G-A. GRCh37 (hg19) VCF-style: chr19-1619476-G-A.
Other names: c.1168-6C>T (NM_001351778.2); c.1168-3C>T (NM_001136139.4, NM_001351779.2).
Identifiers: ClinVar variation 1942637 (VCV001942637.5), dbSNP rs1448834704, ClinGen allele CA631302941.

ClinVar aggregate classification (germline): Uncertain significance (1 of 4 stars; one submission).

Allele frequency attached by ClinVar (database versions not stated): gnomAD exomes below 0.00001; TOPMed 0.00001.
gnomAD v4.1: 2 of 1,570,372 alleles (0.00013%); highest among the groups gnomAD compares: Admixed American, 0.0017%; no homozygotes.

Submission:

Labcorp Genetics (formerly Invitae), Labcorp
Classification: Uncertain significance. Last evaluated: 2025-07-31. Review status: criteria provided, single submitter. Criteria: Invitae Variant Classification Sherloc (09022015). Collection method: clinical testing. Allele origin: germline.
Comment: This sequence change falls in intron 14 of the TCF3 gene. It does not directly change the encoded amino acid sequence of the TCF3 protein. It affects a nucleotide within the consensus splice site. This variant is present in population databases (no rsID available, gnomAD 0.003%). This variant has not been reported in the literature in individuals affected with TCF3-related conditions. ClinVar contains an entry for this variant (Variation ID: 1942637). Variants that disrupt the consensus splice site are a relatively common cause of aberrant splicing (PMID: 17576681, 9536098). Algorithms developed to predict the effect of sequence changes on RNA splicing suggest that this variant is not likely to affect RNA splicing. In summary, the available evidence is currently insufficient to determine the role of this variant in disease. Therefore, it has been classified as a Variant of Uncertain Significance.

Literature cited by the submitters: PubMed 17576681; PubMed 9536098.